The following is an entry in ClinVar:

ClinVar aggregate classification (germline): Likely benign (1 of 4 stars; one submission).

Submission:

CeGaT Center for Human Genetics Tuebingen
Classification: Likely benign. Last evaluated: 2025-04-01. Review status: criteria provided, single submitter. Criteria: CeGaT Center For Human Genetics Tuebingen Variant Classification Criteria Version 2. Collection method: clinical testing. Allele origin: germline. Affected: yes. Observed: 1 variant allele.
Comment: KMT2C: BP1, BP5

NM_170606.3(KMT2C):c.5132T>C (p.Met1711Thr)

Gene: KMT2C (lysine methyltransferase 2C; minus strand). Cytogenetic location: 7q36.1.
Variant type: single nucleotide variant.
Coding change: c.5132T>C on transcript NM_170606.3 (MANE Select); coding-DNA position 5132, T replaced by C.
Protein change: p.Met1711Thr; replaces methionine 1711 with threonine.
Molecular consequence: missense variant.
Genome position (GRCh38, 1-based): chr7:152,183,107, A>G on the plus strand (T>C on the coding strand, the complement: KMT2C is on the minus strand). VCF-style: chr7-152183107-A-G. GRCh37 (hg19) VCF-style: chr7-151880192-A-G.
Other names: short protein forms M1711T.
Identifiers: ClinVar variation 3905553 (VCV003905553.10).
Genomic context (GRCh38, chr7:152,183,107, plus strand): 5'-ATACGAGAGCTGGGATCAATGCTATCTTGCTGTTGCTGCCTTTTCATGGAATCATTTGAC[A>G]TCTGTACTTTATTAATGCGTAAAGCAGCTCTGTTATCTCTGGCTTTTTGCTTTGACAAAA-3'
Protein context (NP_733751.2, residues 1701-1721): RAALRINKVQ[Met1711Thr]SNDSMKRQQQ